The following is an entry in ClinVar:

NM_002693.3(POLG):c.2287G>A (p.Gly763Arg)

Gene: POLG (DNA polymerase gamma, catalytic subunit; minus strand). Cytogenetic location: 15q26.1.
Variant type: single nucleotide variant.
Coding change: c.2287G>A on transcript NM_002693.3 (MANE Select); coding-DNA position 2287, G replaced by A.
Protein change: p.Gly763Arg; replaces glycine 763 with arginine.
Molecular consequence: missense variant.
Genome position (GRCh38, 1-based): chr15:89,322,881, C>T on the plus strand (G>A on the coding strand, the complement: POLG is on the minus strand). VCF-style: chr15-89322881-C-T. GRCh37 (hg19) VCF-style: chr15-89866112-C-T.
Other names: c.2287G>A, p.Gly763Arg (NM_001126131.2); short protein forms G763R.
Identifiers: ClinVar variation 1710434 (VCV001710434.4), dbSNP rs1567187837, ClinGen allele CA393756559.

ClinVar aggregate classification (germline): Likely pathogenic. Review status: criteria provided, multiple submitters, no conflicts (2 of 4 stars). 2 submissions from 2 submitters: Likely pathogenic (2). Last evaluated 2026-08-17.

Conditions:
Progressive external ophthalmoplegia with mitochondrial DNA deletions, autosomal dominant 1 (PEOA1). Also called: Autosomal Dominant Progressive External Ophthalmoplegia (adPEO); PROGRESSIVE EXTERNAL OPHTHALMOPLEGIA, AUTOSOMAL DOMINANT 1. Identifiers: MedGen C1834846, MONDO:0024528, OMIM 157640.
Mitochondrial DNA maintenance disorder.

Submissions (2):

Genetics Laboratory, Great Ormond Street Hospital NHS Foundation Trust, North Thames Genomic Laboratory Hub
Classification: Likely pathogenic for Mitochondrial DNA maintenance disorder. Last evaluated: 2026-08-17. Review status: criteria provided, single submitter. Criteria: ACGS Best Practice Guidelines for Variant Classification in Rare Disease 2024 v1.2. Collection method: clinical testing. Allele origin: germline. Affected: yes.
Comment: PM2_moderate, PP3_supporting, PM3_strong, PP4_moderate

Greenwood Genetic Center Diagnostic Laboratories, Greenwood Genetic Center
Classification: Likely pathogenic for Progressive external ophthalmoplegia with mitochondrial DNA deletions, autosomal dominant 1. Last evaluated: 2022-07-15. Review status: criteria provided, single submitter. Criteria: ACMG Guidelines, 2015. Collection method: clinical testing. Allele origin: germline. Affected: yes.
Comment: PM2, PM1, PP3, PM3_Supporting